The following is an entry in ClinVar:

NM_000186.4(CFH):c.1826T>C (p.Val609Ala)

Gene: CFH (complement factor H; plus strand). Cytogenetic location: 1q31.3.
Variant type: single nucleotide variant.
Coding change: c.1826T>C on transcript NM_000186.4 (MANE Select); coding-DNA position 1826, T replaced by C.
Protein change: p.Val609Ala; replaces valine 609 with alanine.
Molecular consequence: missense variant.
Genome position (GRCh38, 1-based): chr1:196,725,250, T>C. VCF-style: chr1-196725250-T-C. GRCh37 (hg19) VCF-style: chr1-196694380-T-C.
Other names: short protein forms V609A.
Identifiers: ClinVar variation 1487303 (VCV001487303.6), dbSNP rs1669108889, ClinGen allele CA343986405.

ClinVar aggregate classification (germline): Uncertain significance (1 of 4 stars; one submission).

Allele frequency attached by ClinVar (database versions not stated): gnomAD exomes below 0.00001.
gnomAD v4.1: 3 of 1,613,968 alleles (0.00019%); highest among the groups gnomAD compares: South Asian, 0.0022%; no homozygotes.

Submission:

Labcorp Genetics (formerly Invitae), Labcorp
Classification: Uncertain significance. Last evaluated: 2023-07-17. Review status: criteria provided, single submitter. Criteria: Invitae Variant Classification Sherloc (09022015). Collection method: clinical testing. Allele origin: germline.
Comment: This variant has not been reported in the literature in individuals affected with CFH-related conditions. In summary, the available evidence is currently insufficient to determine the role of this variant in disease. Therefore, it has been classified as a Variant of Uncertain Significance. An algorithm developed to predict the effect of missense changes on protein structure and function (PolyPhen-2) suggests that this variant is likely to be tolerated. ClinVar contains an entry for this variant (Variation ID: 1487303). This variant is not present in population databases (gnomAD no frequency). This sequence change replaces valine, which is neutral and non-polar, with alanine, which is neutral and non-polar, at codon 609 of the CFH protein (p.Val609Ala).